The following is an entry in ClinVar:

ClinVar aggregate classification (germline): Pathogenic (1 of 4 stars; one submission).

Submission:

GeneDx
Classification: Pathogenic. Last evaluated: 2024-07-03. Review status: criteria provided, single submitter. Criteria: GeneDx Variant Classification Process June 2021. Collection method: clinical testing. Allele origin: germline. Affected: yes.
Comment: Frameshift variant predicted to result in protein truncation or nonsense mediated decay in a gene for which loss of function is a known mechanism of disease; Not observed at significant frequency in large population cohorts (gnomAD); This variant is associated with the following publications: (PMID: 25846608)

NM_001378454.1(ALMS1):c.3016del (p.Arg1006fs)

Gene: ALMS1 (ALMS1 centrosome and basal body associated protein; plus strand). Cytogenetic location: 2p13.1.
Variant type: Deletion.
Coding change: c.3016del on transcript NM_001378454.1 (MANE Select); coding-DNA position 3016, one base deleted (A; older notation c.3016delA).
Protein change: p.Arg1006fs; shifts the reading frame from arginine 1006.
Molecular consequence: frameshift variant.
Genome position (GRCh38, 1-based): chr2:73,449,543, A deleted. VCF-style (leftmost placement, unchanged base first): chr2-73449542-TA-T. GRCh37 (hg19) VCF-style: chr2-73676669-TA-T.
Other names: c.3019del, p.Arg1007fs (NM_015120.4); short protein forms R1006fs, R1007fs.
Identifiers: ClinVar variation 3393542 (VCV003393542.1).
Genomic context (GRCh38, chr2:73,449,542, plus strand): 5'-TGGACTGACTGACCAGAAGACTGTCCCAACACCAACAGTACCTTCAGGTTCCTTCTCACA[TA>T]GAGAGAAGCCCAGTATTTTCTATCAACAGGAGTGGCCAGATAGTTATGCAACTGAAAAGG-3'